The following is an entry in ClinVar:

ClinVar aggregate classification (germline): Uncertain significance (1 of 4 stars; one submission).

Allele frequency attached by ClinVar (database versions not stated): gnomAD exomes below 0.00001; TOPMed below 0.00001; gnomAD 0.00001; ExAC 0.00003.
gnomAD v4.1: 7 of 1,608,988 alleles (0.00044%); highest among the groups gnomAD compares: East Asian, 0.0067%; no homozygotes.

Submission:

Labcorp Genetics (formerly Invitae), Labcorp
Classification: Uncertain significance. Last evaluated: 2024-08-12. Review status: criteria provided, single submitter. Criteria: Invitae Variant Classification Sherloc (09022015). Collection method: clinical testing. Allele origin: germline.
Comment: This sequence change replaces valine, which is neutral and non-polar, with aspartic acid, which is acidic and polar, at codon 425 of the SLC12A6 protein (p.Val425Asp). This variant is present in population databases (rs764090083, gnomAD 0.02%). This variant has not been reported in the literature in individuals affected with SLC12A6-related conditions. ClinVar contains an entry for this variant (Variation ID: 1978768). Advanced modeling of protein sequence and biophysical properties (such as structural, functional, and spatial information, amino acid conservation, physicochemical variation, residue mobility, and thermodynamic stability) performed at Invitae indicates that this missense variant is not expected to disrupt SLC12A6 protein function with a negative predictive value of 80%. In summary, the available evidence is currently insufficient to determine the role of this variant in disease. Therefore, it has been classified as a Variant of Uncertain Significance.

NM_001365088.1(SLC12A6):c.1274T>A (p.Val425Asp)

Gene: SLC12A6 (solute carrier family 12 member 6; minus strand). Cytogenetic location: 15q14.
Variant type: single nucleotide variant.
Coding change: c.1274T>A on transcript NM_001365088.1 (MANE Select); coding-DNA position 1274, T replaced by A.
Protein change: p.Val425Asp; replaces valine 425 with aspartic acid.
Molecular consequence: missense variant.
Genome position (GRCh38, 1-based): chr15:34,252,229, A>T on the plus strand (T>A on the coding strand, the complement: SLC12A6 is on the minus strand). VCF-style: chr15-34252229-A-T. GRCh37 (hg19) VCF-style: chr15-34544430-A-T.
Other names: c.1097T>A, p.Val366Asp (NM_001042495.2, NM_001042494.2); c.1247T>A, p.Val416Asp (NM_001042496.2); c.1229T>A, p.Val410Asp (NM_001042497.2); c.1121T>A, p.Val374Asp (NM_005135.2); c.1274T>A, p.Val425Asp (NM_133647.2); short protein forms V410D, V416D, V425D, V366D, V374D.
Identifiers: ClinVar variation 1978768 (VCV001978768.3), dbSNP rs764090083, ClinGen allele CA7464345.